The following is an entry in ClinVar:

NM_005002.5(NDUFA9):c.7G>A (p.Ala3Thr)

Gene: NDUFA9 (NADH:ubiquinone oxidoreductase subunit A9; plus strand). Cytogenetic location: 12p13.32.
Variant type: single nucleotide variant.
Coding change: c.7G>A on transcript NM_005002.5 (MANE Select); coding-DNA position 7, G replaced by A.
Protein change: p.Ala3Thr; replaces alanine 3 with threonine.
Molecular consequence: missense variant.
Genome position (GRCh38, 1-based): chr12:4,649,133, G>A. VCF-style: chr12-4649133-G-A. GRCh37 (hg19) VCF-style: chr12-4758299-G-A.
Other names: short protein forms A3T.
Identifiers: ClinVar variation 1359199 (VCV001359199.6), dbSNP rs201653293, ClinGen allele CA6397952.

ClinVar aggregate classification (germline): Uncertain significance (1 of 4 stars; one submission).

Allele frequency attached by ClinVar (database versions not stated): gnomAD exomes 0.00008 and 0.00001; 1000 Genomes Project 0.00060; 1000 Genomes Project 30x 0.00062; gnomAD 0.00002 and 0.00004; TOPMed 0.00002; ExAC 0.00006.
gnomAD v4.1: 26 of 1,604,344 alleles (0.0016%); highest among the groups gnomAD compares: East Asian, 0.058%; no homozygotes.

Submission:

Labcorp Genetics (formerly Invitae), Labcorp
Classification: Uncertain significance. Last evaluated: 2025-11-06. Review status: criteria provided, single submitter. Criteria: Invitae Variant Classification Sherloc (09022015). Collection method: clinical testing. Allele origin: germline.
Comment: This sequence change replaces alanine, which is neutral and non-polar, with threonine, which is neutral and polar, at codon 3 of the NDUFA9 protein (p.Ala3Thr). This variant is present in population databases (rs201653293, gnomAD 0.1%), and has an allele count higher than expected for a pathogenic variant. This variant has not been reported in the literature in individuals affected with NDUFA9-related conditions. ClinVar contains an entry for this variant (Variation ID: 1359199). An algorithm developed to predict the effect of missense changes on protein structure and function (PolyPhen-2) suggests that this variant is likely to be tolerated. In summary, the available evidence is currently insufficient to determine the role of this variant in disease. Therefore, it has been classified as a Variant of Uncertain Significance.